The following is an entry in ClinVar:

ClinVar aggregate classification (germline): Conflicting classifications of pathogenicity. Review status: criteria provided, conflicting classifications (1 of 4 stars). 2 submissions from 2 submitters: Uncertain significance (1); Likely benign (1). Last evaluated 2026-01-16.

Allele frequency attached by ClinVar (database versions not stated): 1000 Genomes Project 30x 0.00016; TOPMed 0.00040; gnomAD 0.00058 and 0.00060; gnomAD exomes 0.00058; ExAC 0.00086.
gnomAD v4.1: 1,327 of 1,470,076 alleles (0.09%); highest among the groups gnomAD compares: Non-Finnish European, 0.11%; 1 homozygote.

Submissions (2):

Labcorp Genetics (formerly Invitae), Labcorp
Classification: Likely benign. Last evaluated: 2026-01-16. Review status: criteria provided, single submitter. Criteria: Invitae Variant Classification Sherloc (09022015). Collection method: clinical testing. Allele origin: germline.

Mayo Clinic Laboratories, Mayo Clinic
Classification: Uncertain significance. Last evaluated: 2023-05-05. Review status: criteria provided, single submitter. Criteria: ACMG Guidelines, 2015. Collection method: clinical testing. Allele origin: germline. Observed: 1 variant allele.
Comment: BS1

Literature cited by the submitters: PubMed 31127727 (cited by Mayo Clinic Laboratories, Mayo Clinic).

NM_005876.5(SPEG):c.182G>A (p.Arg61Gln)

Gene: SPEG (striated muscle enriched protein kinase; plus strand). Cytogenetic location: 2q35.
Variant type: single nucleotide variant.
Coding change: c.182G>A on transcript NM_005876.5 (MANE Select); coding-DNA position 182, G replaced by A.
Protein change: p.Arg61Gln; replaces arginine 61 with glutamine.
Molecular consequence: missense variant.
Genome position (GRCh38, 1-based): chr2:219,435,159, G>A. VCF-style: chr2-219435159-G-A. GRCh37 (hg19) VCF-style: chr2-220299881-G-A.
Other names: p.Arg61Gln; short protein forms R61Q.
Identifiers: ClinVar variation 1552815 (VCV001552815.9), dbSNP rs752331636, ClinGen allele CA2125348.